The following is an entry in ClinVar:

NM_177438.3(DICER1):c.4300G>A (p.Glu1434Lys)

Gene: DICER1 (dicer 1, ribonuclease III; minus strand). Cytogenetic location: 14q32.13.
Variant type: single nucleotide variant.
Coding change: c.4300G>A on transcript NM_177438.3 (MANE Select); coding-DNA position 4300, G replaced by A.
Protein change: p.Glu1434Lys; replaces glutamic acid 1434 with lysine.
Molecular consequence: missense variant.
Genome position (GRCh38, 1-based): chr14:95,096,620, C>T on the plus strand (G>A on the coding strand, the complement: DICER1 is on the minus strand). VCF-style: chr14-95096620-C-T. GRCh37 (hg19) VCF-style: chr14-95562957-C-T.
Other names: c.4300G>A, p.Glu1434Lys (NM_001195573.1, NM_001271282.3, NM_001291628.2 and 1 more transcripts); short protein forms E1434K.
Identifiers: ClinVar variation 648744 (VCV000648744.12), dbSNP rs1595342315, ClinGen allele CA390869460.

ClinVar aggregate classification (germline): Uncertain significance (1 of 4 stars; one submission).

Conditions:
DICER1-related tumor predisposition. Also called: DICER1-related pleuropulmonary blastoma cancer predisposition syndrome; DICER1 syndrome. Identifiers: Orphanet 284343, MedGen C3839822, MONDO:0100216.

Allele frequency attached by ClinVar (database versions not stated): gnomAD exomes below 0.00001.
gnomAD v4.1: 1 of 1,611,696 alleles (0.000062%); highest among the groups gnomAD compares: South Asian, 0.0011%; no homozygotes.

Submission:

Labcorp Genetics (formerly Invitae), Labcorp
Classification: Uncertain significance for DICER1-related tumor predisposition. Last evaluated: 2019-09-24. Review status: criteria provided, single submitter. Criteria: Invitae Variant Classification Sherloc (09022015). Collection method: clinical testing. Allele origin: germline.
Comment: This sequence change replaces glutamic acid with lysine at codon 1434 of the DICER1 protein (p.Glu1434Lys). The glutamic acid residue is moderately conserved and there is a small physicochemical difference between glutamic acid and lysine. In summary, the available evidence is currently insufficient to determine the role of this variant in disease. Therefore, it has been classified as a Variant of Uncertain Significance. Algorithms developed to predict the effect of missense changes on protein structure and function are either unavailable or do not agree on the potential impact of this missense change (SIFT: "Tolerated"; PolyPhen-2: "Possibly Damaging"; Align-GVGD: "Class C0"). This variant has not been reported in the literature in individuals with DICER1-related disease. This variant is not present in population databases (ExAC no frequency).